The following is an entry in ClinVar:

ClinVar aggregate classification (germline): Uncertain significance. Review status: criteria provided, multiple submitters, no conflicts (2 of 4 stars). 2 submissions from 2 submitters: Uncertain significance (2). Last evaluated 2025-09-15.

Conditions:
Hereditary nonpolyposis colorectal neoplasms. Identifiers: MedGen C0009405, MeSH D003123.
Hereditary cancer-predisposing syndrome. Also called: Neoplastic Syndromes, Hereditary; Tumor predisposition; Hereditary Cancer Syndrome; Hereditary neoplastic syndrome. Identifiers: Orphanet 140162, MedGen C0027672, MeSH D009386, MONDO:0015356.

gnomAD v4.1: 1 of 1,614,210 alleles (0.000062%); highest among the groups gnomAD compares: Non-Finnish European, 0.000085%; no homozygotes.

Submissions (2):

Ambry Genetics
Classification: Uncertain significance for Hereditary cancer-predisposing syndrome. Last evaluated: 2025-09-15. Review status: criteria provided, single submitter. Criteria: Ambry Variant Classification Scheme 2023. Collection method: clinical testing. Allele origin: germline.
Comment: The p.A339D variant (also known as c.1016C>A), located in coding exon 4 of the MSH6 gene, results from a C to A substitution at nucleotide position 1016. The alanine at codon 339 is replaced by aspartic acid, an amino acid with dissimilar properties. This amino acid position is not well conserved in available vertebrate species. In addition, the in silico prediction for this alteration is inconclusive. Based on the available evidence, the clinical significance of this variant remains unclear.

Labcorp Genetics (formerly Invitae), Labcorp
Classification: Uncertain significance for Hereditary nonpolyposis colorectal neoplasms. Last evaluated: 2022-02-24. Review status: criteria provided, single submitter. Criteria: Invitae Variant Classification Sherloc (09022015). Collection method: clinical testing. Allele origin: germline.
Comment: This sequence change replaces alanine, which is neutral and non-polar, with aspartic acid, which is acidic and polar, at codon 339 of the MSH6 protein (p.Ala339Asp). This variant is not present in population databases (gnomAD no frequency). This variant has not been reported in the literature in individuals affected with MSH6-related conditions. ClinVar contains an entry for this variant (Variation ID: 525595). Advanced modeling of protein sequence and biophysical properties (such as structural, functional, and spatial information, amino acid conservation, physicochemical variation, residue mobility, and thermodynamic stability) performed at Invitae indicates that this missense variant is not expected to disrupt MSH6 protein function. In summary, the available evidence is currently insufficient to determine the role of this variant in disease. Therefore, it has been classified as a Variant of Uncertain Significance.

NM_000179.3(MSH6):c.1016C>A (p.Ala339Asp)

Gene: MSH6 (mutS homolog 6; plus strand). Cytogenetic location: 2p16.3.
Variant type: single nucleotide variant.
Coding change: c.1016C>A on transcript NM_000179.3 (MANE Select); coding-DNA position 1016, C replaced by A.
Protein change: p.Ala339Asp; replaces alanine 339 with aspartic acid.
Molecular consequence: missense variant.
Genome position (GRCh38, 1-based): chr2:47,798,999, C>A. VCF-style: chr2-47798999-C-A. GRCh37 (hg19) VCF-style: chr2-48026138-C-A.
Other names: c.626C>A, p.Ala209Asp (NM_001281492.2); c.110C>A, p.Ala37Asp (NM_001281493.2, NM_001281494.2); short protein forms A339D, A37D, A209D.
Identifiers: ClinVar variation 525595 (VCV000525595.12), dbSNP rs587780669, ClinGen allele CA346741296.